The following is an entry in ClinVar:

NM_175914.5(HNF4A):c.3G>A (p.Met1Ile)

Gene: HNF4A (hepatocyte nuclear factor 4 alpha; plus strand). Cytogenetic location: 20q13.12.
Variant type: single nucleotide variant.
Coding change: c.3G>A on transcript NM_175914.5 (MANE Select); coding-DNA position 3, G replaced by A.
Protein change: p.Met1Ile; changes the start codon (methionine 1).
Molecular consequence: missense variant, initiator codon variant. On other transcripts: 5 prime UTR variant (3).
Genome position (GRCh38, 1-based): chr20:44,355,807, G>A. VCF-style: chr20-44355807-G-A. GRCh37 (hg19) VCF-style: chr20-42984447-G-A.
Other names: NM_175914.5(HNF4A):c.3G>A; p.Met1Ile; c.3G>A, p.Met1Ile (NM_001030003.3, NM_001030004.3); c.-229G>A (NM_001287182.2, NM_001287183.2, NM_001287184.2); short protein forms M1I.
Identifiers: ClinVar variation 1299751 (VCV001299751.5), dbSNP rs2146127594, ClinGen allele CA409109842.

ClinVar aggregate classification (germline): Likely pathogenic. Review status: reviewed by expert panel (3 of 4 stars). 3 submissions from 3 submitters: Likely pathogenic (1). 2 of the submissions do not count toward it. Last evaluated 2024-04-06.

Conditions:
Monogenic diabetes. Identifiers: Orphanet 183625, MedGen C3888631, MONDO:0015967.
Maturity-onset diabetes of the young type 1. Also called: MODY, type I; MODY type 1; Diabetes mellitus MODY type 1; MODY HNF4A related; HNF4A-Related Maturity-Onset Diabetes of the Young Type 1; MILD JUVENILE DIABETES MELLITUS. Identifiers: Orphanet 552, MedGen C1852093, MONDO:0007452, OMIM 125850. Disease mechanism: loss of function.

Submissions (3):

ClinGen Monogenic Diabetes Variant Curation Expert Panel
Classification: Likely pathogenic for Monogenic diabetes. Last evaluated: 2024-04-06. Review status: reviewed by expert panel. Criteria: ClinGen Diabetes ACMG Specifications HNF4A V2.0.0. Collection method: curation. Allele origin: germline. Inheritance: Autosomal dominant inheritance.
Comment: The c.3G>A variant in the hepatocyte nuclear factor -4 alpha gene, HNF4A, results in a start loss at the initiation codon in NM_175914.4. By altering the start codon of the coding sequence, this variant may cause a truncated or absent protein in a gene in which loss-of-function is an established disease mechanism (PVS1_Strong; PMID: 23348805). In addition, this variant is absent from gnomAD v2.1.1 (PM2_Supporting). This variant was identified in an individual with a clinical history highly specific for HNF4A-MODY (MODY probability calculator result >50%, negative genetic testing for HNF1A, and negative diabetes autoantibodies (PP4_Moderate; PMID: 30977832, internal lab contributors). In summary, c.3G>A meets the criteria to be classified as Likely pathogenic for monogenic diabetes. ACMG/AMP criteria applied, as specified by the ClinGen MDEP (specification version 2.0.0, approved 10/11/2023: PVS1_Strong, PM2_Supporting, PP4_Moderate.

ARUP Laboratories, Molecular Genetics and Genomics, ARUP Laboratories
Classification: Likely pathogenic. Last evaluated: 2025-06-24. Review status: criteria provided, single submitter. Criteria: ARUP Molecular Germline Variant Investigation Process 2024. Collection method: clinical testing. Allele origin: germline. Not counted in ClinVar's aggregate classification.
Comment: The HNF4A c.3G>A; p.Met1? variant (rs2146127594, ClinVar Variation ID: 1299751) is reported in the literature in individuals affected with mature onset diabetes of the young (MODY; Kyithar 2011, Park 2019). This variant is absent from the Genome Aggregation Database (v2.1.1), indicating it is not a common polymorphism. This variant abolishes the canonical translation initiation site, which is likely to disrupt gene function. Based on available information, this variant is considered to be likely pathogenic. References: Kyithar MP et al. Identification of HNF1A-MODY and HNF4A-MODY in Irish families: phenotypic characteristics and therapeutic implications. Diabetes Metab. 2011 Dec;37(6):512-9. PMID: 21683639. Park SS et al. Identifying Pathogenic Variants of Monogenic Diabetes Using Targeted Panel Sequencing in an East Asian Population. J Clin Endocrinol Metab. 2019 Sep 1;104(9):4188-4198. PMID: 30977832.

Exeter Genomics Laboratory, Royal Devon University Healthcare NHS Foundation Trust
Classification: Likely pathogenic for Maturity-onset diabetes of the young type 1. Last evaluated: 2021-10-05. Review status: criteria provided, single submitter. Criteria: ACMG Guidelines, 2015. Collection method: clinical testing. Allele origin: inherited. Inheritance: Autosomal dominant inheritance. Affected: yes. Observed: 4 variant alleles, 4 heterozygotes. Not counted in ClinVar's aggregate classification.
Comment: The c.3G>A variant in the HNF4 homeobox A gene, HNF4A, results in the loss of the initiation codon (p.Met1?) in exon 1 of the pancreatic specific HNF4A isoform NM_175914.5. By altering the start codon of the coding sequence, this variant may cause a truncated or absent protein in a gene in which loss-of-function is an established disease mechanism (PVS1_Moderate; PMID: 23348805). This variant is absent in gnomAD v2.1.1 (PM2_Supporting), and was identified in two unrelated individuals with non-autoimmune and non-absolute/near-absolute insulin-deficient diabetes (PMID:21683639, PMID:30977832). However, PS4_Moderate cannot be applied because this number is below the ClinGen MDEP threshold. One of these individuals had a clinical history highly specific for HNF4A-MODY (MODY probability calculator result >50%, negative genetic testing for HNF1A, and antibody negative) (PP4_Moderate; PMID:30977832). This variant also segregated with diabetes, with two informative meioses in the published family (PMID:21683639) but this is an insufficient number of meiosis to meet PP1 criteria. A different variant at that also results in the loss of the initiation codon has been identified by our laboratory and classified as likely pathogenic (PS1_Supporting). In summary, c.3G>A meets the criteria to be classified as likely pathogenic for monogenic diabetes. ACMG/AMP criteria applied: PVS1_Moderate, PS1_Supporting, PP4_Moderate, PM2_Supporting.

Literature cited by the submitters: PubMed 30977832 (cited by Exeter Genomics Laboratory, Royal Devon University Healthcare NHS Foundation Trust); PubMed 21683639 (cited by Exeter Genomics Laboratory, Royal Devon University Healthcare NHS Foundation Trust).